The following is an entry in ClinVar:

NM_025114.4(CEP290):c.508A>T (p.Lys170Ter)

Gene: CEP290 (centrosomal protein 290; minus strand). Cytogenetic location: 12q21.32.
Variant type: single nucleotide variant.
Coding change: c.508A>T on transcript NM_025114.4 (MANE Select); coding-DNA position 508, A replaced by T.
Protein change: p.Lys170Ter; replaces lysine 170 with a stop codon.
Molecular consequence: nonsense.
Genome position (GRCh38, 1-based): chr12:88,130,553, T>A on the plus strand (A>T on the coding strand, the complement: CEP290 is on the minus strand). VCF-style: chr12-88130553-T-A. GRCh37 (hg19) VCF-style: chr12-88524330-T-A.
Other names: short protein forms K170*.
Identifiers: ClinVar variation 578618 (VCV000578618.22), dbSNP rs772170760, ClinGen allele CA6712767.
Genomic context (GRCh38, chr12:88,130,553, plus strand): 5'-CTCTCACAACATATTTTAAATTCCCAAGATTTCACCACACTTAAAGCCTCACCTTTTTCT[T>A]TAGACGTTTGTTCTACAGAAAAGGACAGGAAAACGGTAATTAGAAATGAGAAAGGTAATA-3'

ClinVar aggregate classification (germline): Pathogenic. Review status: criteria provided, multiple submitters, no conflicts (2 of 4 stars). 8 submissions from 8 submitters: Pathogenic (8). Last evaluated 2026-09-09.

Conditions:
Nephronophthisis. Also called: Juvenile Nephronophthisis. Identifiers: Orphanet 655, MedGen C0687120, MONDO:0019005, HP:0000090.
Meckel-Gruber syndrome. Also called: DYSENCEPHALIA SPLANCHNOCYSTICA; GRUBER SYNDROME; Dysencephalia splachnocystica. Identifiers: Orphanet 564, MedGen C0265215, MONDO:0018921.
Joubert syndrome. Also called: Familial aplasia of the vermis; JOUBERT-BOLTSHAUSER SYNDROME. Identifiers: Orphanet 475, MedGen C5979921, MONDO:0018772.
Leber congenital amaurosis (LCA). Also called: Leber's amaurosis. Identifiers: Orphanet 65, MedGen C0339527, MeSH D057130, MONDO:0018998.
CEP290-related disorder. Also called: CEP290-related disorders; CEP290-related condition. Identifiers: MedGen CN239314.
Bardet-Biedl syndrome 14 (BBS14). Identifiers: Orphanet 110, MedGen C2673874, MONDO:0014442, OMIM 615991.
Inborn genetic diseases. Identifiers: MedGen C0950123, MeSH D030342.
Senior-Loken syndrome 6 (SLSN6). Identifiers: Orphanet 3156, MedGen C1857779, MONDO:0012433, OMIM 610189.
Joubert syndrome 5 (JBTS5). Identifiers: Orphanet 2318, MedGen C1857780, MONDO:0012432, OMIM 610188.
Meckel syndrome, type 4 (MKS4). Also called: MECKEL-GRUBER SYNDROME, TYPE 4. Identifiers: Orphanet 564, MedGen C1970161, MONDO:0012626, OMIM 611134.
Leber congenital amaurosis 10 (LCA10). Identifiers: Orphanet 65, MedGen C1857821, MONDO:0012723, OMIM 611755.

Allele frequency attached by ClinVar (database versions not stated): ExAC 0.00001; gnomAD exomes 0.00001; gnomAD 0.00003 and 0.00004; TOPMed 0.00003.
gnomAD v4.1: 13 of 1,591,850 alleles (0.00082%); highest among the groups gnomAD compares: Admixed American, 0.016%; no homozygotes.

Submissions (8):

PreventionGenetics, part of Exact Sciences
Classification: Pathogenic for CEP290-related condition. Last evaluated: 2026-09-09. Review status: criteria provided, single submitter. Criteria: ACMG Guidelines, 2015. Collection method: clinical testing. Allele origin: germline.
Comment: The CEP290 c.508A>T variant is predicted to result in premature protein termination (p.Lys170*). This variant has been reported in the homozygous and compound heterozygous states to be causative for CEP290-related disorders (see for example, Table S1, Stone et al. 2017. PubMed ID: 28559085; Table S5, Rodríguez-Muñoz et al. 2020. PubMed ID: 32036094). This variant is reported in 0.016% of alleles in individuals of Latino descent in gnomAD. Nonsense variants in CEP290 are expected to be pathogenic. This variant is interpreted as pathogenic.

GeneDx
Classification: Pathogenic. Last evaluated: 2026-06-29. Review status: criteria provided, single submitter. Criteria: GeneDx Variant Classification Process June 2021. Collection method: clinical testing. Allele origin: germline.
Comment: Published functional studies demonstrate the p.(K170*) variant produces an in-frame isoform that escapes nonsense mediated decay and may have normal interactions with centrosomal proteins, supporting a hypomorphic effect of the variant (PMID: 29771326); This variant is associated with the following publications: (PMID: 31964843, 36819107, 32865313, 31589614, 29771326, 28559085, 32036094, 38324470)

Ambry Genetics
Classification: Pathogenic for Inborn genetic diseases. Last evaluated: 2026-05-11. Review status: criteria provided, single submitter. Criteria: Ambry Variant Classification Scheme 2023. Collection method: clinical testing. Allele origin: germline.
Comment: The c.508A>T (p.K170*) alteration, located in exon 8 (coding exon 7) of the CEP290 gene, consists of a A to T substitution at nucleotide position 508. This changes the amino acid from a lysine (K) to a stop codon at amino acid position 170. This alteration is expected to result in loss of function by premature protein truncation or nonsense-mediated mRNA decay. Based on data from gnomAD, the T allele has an overall frequency of 0.002% (5/251842) total alleles studied. The highest observed frequency was 0.016% (5/30688) of Latino alleles. This alteration has been reported in the homozygous and compound heterozygous states in individuals with CEP290-related ciliopathies; in at least one instance, the variants were identified in trans (Stone, 2017; Barny, 2018; Rodr&iacute;guez-Mu&ntilde;oz, 2020; Sallum, 2020). Based on the available evidence, this alteration is classified as pathogenic.

Labcorp Genetics (formerly Invitae), Labcorp
Classification: Pathogenic for Joubert syndrome; Meckel-Gruber syndrome; Nephronophthisis. Last evaluated: 2025-03-04. Review status: criteria provided, single submitter. Criteria: Invitae Variant Classification Sherloc (09022015). Collection method: clinical testing. Allele origin: germline.
Comment: This sequence change creates a premature translational stop signal (p.Lys170*) in the CEP290 gene. It is expected to result in an absent or disrupted protein product. Loss-of-function variants in CEP290 are known to be pathogenic (PMID: 16909394, 17345604, 20690115). This variant is present in population databases (rs772170760, gnomAD 0.02%). This premature translational stop signal has been observed in individual(s) with severe early childhood onset retinal dystrophy (PMID: 28559085). ClinVar contains an entry for this variant (Variation ID: 578618). For these reasons, this variant has been classified as Pathogenic.

Natera, Inc.
Classification: Pathogenic for Leber congenital amaurosis. Last evaluated: 2024-10-14. Review status: criteria provided, single submitter. Criteria: Natera Variant Classification Schema (03/2026). Collection method: clinical testing. Allele origin: germline.
Comment: The c.508A>T variant in CEP290 is a nonsense variant predicted to introduce a stop codon at amino acid 170. This variant is expected to result in nonsense mediated decay, truncation, or a dysfunctional protein product. This variant is rare in the general population with a frequency below the threshold expected for the associated phenotype(s). This variant has been observed in one or more individuals affected with the associated recessive disease, as either homozygous or compound heterozygous with a second variant (PMID: 32036094, 32865313). Given the available evidence, this variant is classified as Pathogenic.

Baylor Genetics
Classification: Pathogenic for Bardet-Biedl syndrome 14. Last evaluated: 2024-02-14. Review status: criteria provided, single submitter. Criteria: ACMG Guidelines, 2015. Collection method: clinical testing. Allele origin: unknown.

Fulgent Genetics
Classification: Pathogenic for Joubert syndrome 5; Senior-Loken syndrome 6; Meckel syndrome, type 4; Leber congenital amaurosis 10; Bardet-Biedl syndrome 14. Last evaluated: 2021-10-22. Review status: criteria provided, single submitter. Criteria: ACMG Guidelines, 2015. Collection method: clinical testing. Allele origin: unknown.

Blueprint Genetics
Classification: Pathogenic for CEP290-related disorders. Last evaluated: 2021-08-25. Review status: criteria provided, single submitter. Criteria: ACMG Guidelines, 2015. Collection method: clinical testing. Allele origin: germline. Affected: yes. Observed: 3 variant alleles.

Literature cited by the submitters: PubMed 28559085 (cited by Ambry Genetics and Labcorp Genetics (formerly Invitae), Labcorp); PubMed 29771326 (cited by Ambry Genetics); PubMed 32036094 (cited by Ambry Genetics and Natera, Inc.); PubMed 32865313 (cited by Ambry Genetics and Natera, Inc.); PubMed 16909394 (cited by Labcorp Genetics (formerly Invitae), Labcorp); PubMed 17345604 (cited by Labcorp Genetics (formerly Invitae), Labcorp); PubMed 20690115 (cited by Labcorp Genetics (formerly Invitae), Labcorp).